The following is an entry in ClinVar:

NM_020184.4(CNNM4):c.1561C>T (p.Arg521Trp)

Gene: CNNM4 (cyclin and CBS domain divalent metal cation transport mediator 4; plus strand). Cytogenetic location: 2q11.2.
Variant type: single nucleotide variant.
Coding change: c.1561C>T on transcript NM_020184.4 (MANE Select); coding-DNA position 1561, C replaced by T.
Protein change: p.Arg521Trp; replaces arginine 521 with tryptophan.
Molecular consequence: missense variant.
Genome position (GRCh38, 1-based): chr2:96,797,527, C>T. VCF-style: chr2-96797527-C-T. GRCh37 (hg19) VCF-style: chr2-97463264-C-T.
Other names: c.1561C>T (NM_020184.3); short protein forms R521W.
Identifiers: ClinVar variation 1039574 (VCV001039574.8), dbSNP rs772498225, ClinGen allele CA1783401.

ClinVar aggregate classification (germline): Uncertain significance. Review status: criteria provided, multiple submitters, no conflicts (2 of 4 stars). 4 submissions from 4 submitters: Uncertain significance (4). Last evaluated 2024-10-22.

Conditions:
Inborn genetic diseases. Identifiers: MedGen C0950123, MeSH D030342.

Allele frequency attached by ClinVar (database versions not stated): ExAC 0.00002; gnomAD exomes 0.00002 and 0.00003; TOPMed 0.00003; gnomAD 0.00004.
gnomAD v4.1: 34 of 1,614,056 alleles (0.0021%); highest among the groups gnomAD compares: South Asian, 0.0044%; no homozygotes.

Submissions (4):

Blueprint Genetics
Classification: Uncertain significance. Last evaluated: 2024-10-22. Review status: criteria provided, single submitter. Criteria: ACMG Guidelines, 2015. Collection method: clinical testing. Allele origin: germline.

Ambry Genetics
Classification: Uncertain significance for Inborn genetic diseases. Last evaluated: 2024-02-06. Review status: criteria provided, single submitter. Criteria: Ambry Variant Classification Scheme 2023. Collection method: clinical testing. Allele origin: germline.

Labcorp Genetics (formerly Invitae), Labcorp
Classification: Uncertain significance. Last evaluated: 2022-07-12. Review status: criteria provided, single submitter. Criteria: Invitae Variant Classification Sherloc (09022015). Collection method: clinical testing. Allele origin: germline.
Comment: This sequence change replaces arginine, which is basic and polar, with tryptophan, which is neutral and slightly polar, at codon 521 of the CNNM4 protein (p.Arg521Trp). This variant is present in population databases (rs772498225, gnomAD 0.01%). This variant has not been reported in the literature in individuals affected with CNNM4-related conditions. ClinVar contains an entry for this variant (Variation ID: 1039574). Algorithms developed to predict the effect of missense changes on protein structure and function (SIFT, PolyPhen-2, Align-GVGD) all suggest that this variant is likely to be disruptive. In summary, the available evidence is currently insufficient to determine the role of this variant in disease. Therefore, it has been classified as a Variant of Uncertain Significance.

Breakthrough Genomics
Classification: Uncertain significance. Review status: criteria provided, single submitter. Criteria: ACMG Guidelines, 2015. Collection method: not provided. Allele origin: germline. Inheritance: Autosomal recessive inheritance. Affected: yes.